The following is an entry in ClinVar:

ClinVar aggregate classification (germline): Uncertain significance. Review status: criteria provided, multiple submitters, no conflicts (2 of 4 stars). 2 submissions from 2 submitters: Uncertain significance (2). Last evaluated 2025-08-25.

Conditions:
Cardiac arrhythmia. Also called: Cardiac rhythm disease; Arrhythmia. Identifiers: MedGen C0003811, MONDO:0007263, HP:0011675.
Long QT syndrome (LQTS). Identifiers: MedGen C0023976, MeSH D008133, MONDO:0002442. Disease mechanism: loss of function. Inheritance: Various modes of inheritance.

Submissions (2):

Color Diagnostics, LLC DBA Color Health
Classification: Uncertain significance for Cardiac arrhythmia. Last evaluated: 2025-08-25. Review status: criteria provided, single submitter. Criteria: ACMG Guidelines, 2015. Collection method: clinical testing. Allele origin: germline.
Comment: This missense variant replaces serine with glycine at codon 26 of the KCNH2 protein. Computational prediction suggests that this variant may not impact protein structure and function. To our knowledge, functional studies have not been reported for this variant. This variant has not been reported in individuals affected with KCNH2-related disorders in the literature. This variant has not been identified in the general population by the Genome Aggregation Database (gnomAD). The available evidence is insufficient to determine the role of this variant in disease conclusively. Therefore, this variant is classified as a Variant of Uncertain Significance.

Labcorp Genetics (formerly Invitae), Labcorp
Classification: Uncertain significance for Long QT syndrome. Last evaluated: 2025-07-03. Review status: criteria provided, single submitter. Criteria: Invitae Variant Classification Sherloc (09022015). Collection method: clinical testing. Allele origin: germline.
Comment: This sequence change replaces serine, which is neutral and polar, with glycine, which is neutral and non-polar, at codon 26 of the KCNH2 protein (p.Ser26Gly). This variant is not present in population databases (gnomAD no frequency). This variant has not been reported in the literature in individuals affected with KCNH2-related conditions. ClinVar contains an entry for this variant (Variation ID: 928116). An algorithm developed to predict the effect of missense changes on protein structure and function (PolyPhen-2) suggests that this variant is likely to be tolerated. In summary, the available evidence is currently insufficient to determine the role of this variant in disease. Therefore, it has been classified as a Variant of Uncertain Significance.

NM_000238.4(KCNH2):c.76A>G (p.Ser26Gly)

Gene: KCNH2 (potassium voltage-gated channel subfamily H member 2; minus strand). Cytogenetic location: 7q36.1.
Variant type: single nucleotide variant.
Coding change: c.76A>G on transcript NM_000238.4 (MANE Select); coding-DNA position 76, A replaced by G.
Protein change: p.Ser26Gly; replaces serine 26 with glycine.
Molecular consequence: missense variant.
Genome position (GRCh38, 1-based): chr7:150,977,838, T>C on the plus strand (A>G on the coding strand, the complement: KCNH2 is on the minus strand). VCF-style: chr7-150977838-T-C. GRCh37 (hg19) VCF-style: chr7-150674926-T-C.
Other names: c.76A>G, p.Ser26Gly (NM_172056.3); short protein forms S26G.
Identifiers: ClinVar variation 928116 (VCV000928116.11), dbSNP rs1802015752, ClinGen allele CA369866596.
Genomic context (GRCh38, chr7:150,977,838, plus strand): 5'-TCGGAAGAGCTCGGCCCGCCCCCAGAGCCCCCTCCCCGCTCAGCCCCCTCCCCCACTCAC[T>C]CTGGCCCTCAAACTTGCGGATGATGGTGTCCAGGAAGGTGTTCTGCGGCGCGACGTGGCC-3'
Protein context (NP_000229.1, residues 16-36): DTIIRKFEGQ[Ser26Gly]RKFIIANARV